The following is an entry in ClinVar:

ClinVar aggregate classification (germline): Likely pathogenic (1 of 4 stars; one submission).

Conditions:
Waardenburg syndrome type 4C (WS4C). Also called: WAARDENBURG SYNDROME WITH HIRSCHSPRUNG DISEASE, TYPE 4C. Identifiers: Orphanet 897, MedGen C2750452, MONDO:0013202, OMIM 613266.

Submission:

Institute of Rare Diseases, West China Hospital, Sichuan University
Classification: Likely pathogenic for Waardenburg syndrome type 4C. Last evaluated: 2025-01-09. Review status: criteria provided, single submitter. Criteria: ClinGen HL ACMG Specifications v1. Collection method: research. Allele origin: germline. Affected: yes.
Comment: PM1;PM5;PM2_Supporting;PP3

NM_006941.4(SOX10):c.415G>C (p.Gly139Arg)

Genes: POLR2F (RNA polymerase II, I and III subunit F; plus strand), SOX10 (SRY-box transcription factor 10; minus strand). Cytogenetic location: 22q13.1.
Variant type: single nucleotide variant.
Coding change: c.415G>C on transcript NM_006941.4 (MANE Select); coding-DNA position 415, G replaced by C.
Protein change: p.Gly139Arg; replaces glycine 139 with arginine.
Molecular consequence: missense variant. On other transcripts: intron variant (3).
Genome position (GRCh38, 1-based): chr22:37,983,370, C>G on the plus strand (G>C on the coding strand, the complement: SOX10 is on the minus strand). VCF-style: chr22-37983370-C-G. GRCh37 (hg19) VCF-style: chr22-38379377-C-G.
Other names: c.*38+11060C>G (NM_001363825.1); c.294-2784C>G (NM_001301130.2); c.293+16200C>G (NM_001301131.2); short protein forms G139R.
Identifiers: ClinVar variation 3601835 (VCV003601835.1).
Genomic context (GRCh38, chr22:37,983,370, plus strand): 5'-CACCCGAAGCTAGAGGGCCCGAGCCCGGGGGGCGGTCGGGTGCTCACCTCCAGAGCTTGC[C>G]CAGCGTCTTGCTGAGCTCAGCGTTGTGCAGGTGCGGGTACTGGTCCGCGAGCTTCCTGCG-3'
Protein context (NP_008872.1, residues 129-149): LHNAELSKTL[Gly139Arg]KLWRLLNESD